The following is an entry in ClinVar:

ClinVar aggregate classification (germline): Uncertain significance (1 of 4 stars; one submission).

Conditions:
Oligodontia-cancer predisposition syndrome. Also called: TOOTH AGENESIS-COLORECTAL CANCER SYNDROME. Identifiers: Orphanet 300576, MedGen C1837750, MONDO:0012075, OMIM 608615. Disease mechanism: loss of function.

Submission:

Labcorp Genetics (formerly Invitae), Labcorp
Classification: Uncertain significance for Oligodontia-cancer predisposition syndrome. Last evaluated: 2022-04-15. Review status: criteria provided, single submitter. Criteria: Invitae Variant Classification Sherloc (09022015). Collection method: clinical testing. Allele origin: germline.
Comment: This sequence change replaces methionine, which is neutral and non-polar, with isoleucine, which is neutral and non-polar, at codon 210 of the AXIN2 protein (p.Met210Ile). This variant is not present in population databases (gnomAD no frequency). This variant has not been reported in the literature in individuals affected with AXIN2-related conditions. ClinVar contains an entry for this variant (Variation ID: 569221). Algorithms developed to predict the effect of missense changes on protein structure and function output the following: SIFT: "Tolerated"; PolyPhen-2: "Benign"; Align-GVGD: "Class C0". The isoleucine amino acid residue is found in multiple mammalian species, which suggests that this missense change does not adversely affect protein function. In summary, the available evidence is currently insufficient to determine the role of this variant in disease. Therefore, it has been classified as a Variant of Uncertain Significance.

NM_004655.4(AXIN2):c.630G>T (p.Met210Ile)

Gene: AXIN2 (axin 2; minus strand). Cytogenetic location: 17q24.1.
Variant type: single nucleotide variant.
Coding change: c.630G>T on transcript NM_004655.4 (MANE Select); coding-DNA position 630, G replaced by T.
Protein change: p.Met210Ile; replaces methionine 210 with isoleucine.
Molecular consequence: missense variant.
Genome position (GRCh38, 1-based): chr17:65,557,991, C>A on the plus strand (G>T on the coding strand, the complement: AXIN2 is on the minus strand). VCF-style: chr17-65557991-C-A. GRCh37 (hg19) VCF-style: chr17-63554109-C-A.
Other names: c.630G>T (LRG_296t1); c.630G>T, p.Met210Ile (NM_001363813.1); short protein forms M210I.
Identifiers: ClinVar variation 569221 (VCV000569221.9), dbSNP rs756185275, ClinGen allele CA400680611.
Genomic context (GRCh38, chr17:65,557,991, plus strand): 5'-TTCATTCAAGGTGGGGAGATAGCCACACACGACCTTTAGGCTCCCGAGTCCCCCATTACT[C>A]ATGTAAGCTGTGTTTTCTCCCCCACTCCTCACATATTCGAGGTATATATCAGAAGTCAAA-3'
Protein context (NP_004646.3, residues 200-220): VRSGGENTAY[Met210Ile]SNGGLGSLKV